The following is an entry in ClinVar:

ClinVar aggregate classification (germline): Uncertain significance (1 of 4 stars; one submission).

Submission:

GeneDx
Classification: Uncertain significance. Last evaluated: 2017-11-09. Review status: criteria provided, single submitter. Criteria: GeneDx Variant Classification (06012015). Collection method: clinical testing. Allele origin: germline. Affected: yes.
Comment: p.Pro170Arg (CCC>CGC): c.509 C>G in exon 6 of the TMEM43 gene (NM_024334.2). Although rare, mutations in the TMEM43 gene have been reported in association with ARVC (McNally E et al., 2009). The variant has not been published as a mutation or as a benign polymorphism to our knowledge. The P170R variant was not observed in approximately 6,500 individuals of European and African American ancestry in the NHLBI Exome Sequencing Project, indicating it is not a common benign variant in these populations. The P170R variant is a non-conservative amino acid substitution, which is likely to impact secondary protein structure as these residues differ in polarity, charge, size and/or other properties. This substitution occurs at a position that is conserved across species. In silico analysis predicts this variant is probably damaging to the protein structure/function. Nevertheless, no missense mutations in nearby residues have been reported in association with ARVC. Therefore, based on the currently available information, it is unclear whether this variant is a pathogenic mutation or a rare benign variant. The variant is found in ARRHYTHMIA panel(s).

NM_024334.3(TMEM43):c.509C>G (p.Pro170Arg)

Gene: TMEM43 (transmembrane protein 43; plus strand). Cytogenetic location: 3p25.1.
Variant type: single nucleotide variant.
Coding change: c.509C>G on transcript NM_024334.3 (MANE Select); coding-DNA position 509, C replaced by G.
Protein change: p.Pro170Arg; replaces proline 170 with arginine.
Molecular consequence: missense variant.
Genome position (GRCh38, 1-based): chr3:14,132,932, C>G. VCF-style: chr3-14132932-C-G. GRCh37 (hg19) VCF-style: chr3-14174432-C-G.
Other names: p.P170R:CCC>CGC; short protein forms P170R.
Identifiers: ClinVar variation 202134 (VCV000202134.2), dbSNP rs794729181, ClinGen allele CA024709.
Genomic context (GRCh38, chr3:14,132,932, plus strand): 5'-AATGGAGGTCAGAAATCATCAACAGCAAAAACTTCGACCGAGAGATTGGCCACAAAAACC[C>G]CAGGTGAGAGCCAGGCCCAAGGCCTGAGTGCAGCTTTGTCTACACTGGCAGGTCTCCAGC-3'
Protein context (NP_077310.1, residues 160-180): NFDREIGHKN[Pro170Arg]SAMAVESFMA